The following is an entry in ClinVar:

NM_000553.6(WRN):c.3856A>T (p.Thr1286Ser)

Gene: WRN (WRN RecQ like helicase; plus strand). Cytogenetic location: 8p12.
Variant type: single nucleotide variant.
Coding change: c.3856A>T on transcript NM_000553.6 (MANE Select); coding-DNA position 3856, A replaced by T.
Protein change: p.Thr1286Ser; replaces threonine 1286 with serine.
Molecular consequence: missense variant.
Genome position (GRCh38, 1-based): chr8:31,157,404, A>T. VCF-style: chr8-31157404-A-T. GRCh37 (hg19) VCF-style: chr8-31014920-A-T.
Other names: short protein forms T1286S.
Identifiers: ClinVar variation 1481103 (VCV001481103.6), dbSNP rs2130480368, ClinGen allele CA370929351.

ClinVar aggregate classification (germline): Uncertain significance (1 of 4 stars; one submission).

Conditions:
Werner syndrome (WRN). Identifiers: Orphanet 902, MedGen C0043119, MONDO:0010196, OMIM 277700.

Submission:

Labcorp Genetics (formerly Invitae), Labcorp
Classification: Uncertain significance for Werner syndrome. Last evaluated: 2020-11-03. Review status: criteria provided, single submitter. Criteria: Invitae Variant Classification Sherloc (09022015). Collection method: clinical testing. Allele origin: germline.
Comment: In summary, the available evidence is currently insufficient to determine the role of this variant in disease. Therefore, it has been classified as a Variant of Uncertain Significance. Algorithms developed to predict the effect of missense changes on protein structure and function output the following: SIFT: "Not Available"; PolyPhen-2: "Benign"; Align-GVGD: "Not Available". The serine amino acid residue is found in multiple mammalian species, suggesting that this missense change does not adversely affect protein function. These predictions have not been confirmed by published functional studies and their clinical significance is uncertain. This sequence change replaces threonine with serine at codon 1286 of the WRN protein (p.Thr1286Ser). The threonine residue is weakly conserved and there is a small physicochemical difference between threonine and serine. This variant is not present in population databases (ExAC no frequency). This variant has not been reported in the literature in individuals with WRN-related conditions.